The following is an entry in ClinVar:

NM_015338.6(ASXL1):c.2021A>G (p.His674Arg)

Gene: ASXL1 (ASXL transcriptional regulator 1; plus strand). Cytogenetic location: 20q11.21.
Variant type: single nucleotide variant.
Coding change: c.2021A>G on transcript NM_015338.6 (MANE Select); coding-DNA position 2021, A replaced by G.
Protein change: p.His674Arg; replaces histidine 674 with arginine.
Molecular consequence: missense variant.
Genome position (GRCh38, 1-based): chr20:32,434,733, A>G. VCF-style: chr20-32434733-A-G. GRCh37 (hg19) VCF-style: chr20-31022536-A-G.
Other names: c.1838A>G, p.His613Arg (NM_001363734.1); short protein forms H613R, H674R.
Identifiers: ClinVar variation 4864705 (VCV004864705.1).
Genomic context (GRCh38, chr20:32,434,733, plus strand): 5'-CCACCGATGAGGGAGGTGGCAGAGGCAGCAGCAGTGGTGATGGTGGTGAGGCCTGTGGCC[A>G]CCCTGAGCCCAGGGGAGGCCCGAGCACCCCTGGAAAGTGTACGTCAGATCTACAGCGAAC-3'
Protein context (NP_056153.2, residues 664-684): SSGDGGEACG[His674Arg]PEPRGGPSTP

ClinVar aggregate classification (germline): Uncertain significance (1 of 4 stars; one submission).

Conditions:
Inborn genetic diseases. Identifiers: MedGen C0950123, MeSH D030342.

Submission:

Ambry Genetics
Classification: Uncertain significance for Inborn genetic diseases. Last evaluated: 2026-05-19. Review status: criteria provided, single submitter. Criteria: Ambry Variant Classification Scheme 2023. Collection method: clinical testing. Allele origin: germline.
Comment: The p.H674R variant (also known as c.2021A>G), located in coding exon 13 of the ASXL1 gene, results from an A to G substitution at nucleotide position 2021. The histidine at codon 674 is replaced by arginine, an amino acid with highly similar properties. This amino acid position is conserved. In addition, this alteration is predicted to be tolerated by in silico analysis. Based on the available evidence, the clinical significance of this variant remains unclear.